The following is an entry in ClinVar:

NM_014159.7(SETD2):c.722C>T (p.Pro241Leu)

Gene: SETD2 (SET domain containing 2, histone lysine methyltransferase; minus strand). Cytogenetic location: 3p21.31.
Variant type: single nucleotide variant.
Coding change: c.722C>T on transcript NM_014159.7 (MANE Select); coding-DNA position 722, C replaced by T.
Protein change: p.Pro241Leu; replaces proline 241 with leucine.
Molecular consequence: missense variant. On other transcripts: non-coding transcript variant (1).
Genome position (GRCh38, 1-based): chr3:47,123,914, G>A on the plus strand (C>T on the coding strand, the complement: SETD2 is on the minus strand). VCF-style: chr3-47123914-G-A. GRCh37 (hg19) VCF-style: chr3-47165404-G-A.
Other names: c.590C>T, p.Pro197Leu (NM_001349370.3); short protein forms P197L, P241L.
Identifiers: ClinVar variation 2881354 (VCV002881354.3), dbSNP rs2043214840, ClinGen allele CA352535142.

ClinVar aggregate classification (germline): Uncertain significance (1 of 4 stars; one submission).

Conditions:
Luscan-Lumish syndrome. Identifiers: Orphanet 597738, MedGen C4085873, MONDO:0014791, OMIM 616831.

Submission:

Labcorp Genetics (formerly Invitae), Labcorp
Classification: Uncertain significance for Luscan-Lumish syndrome. Last evaluated: 2023-08-02. Review status: criteria provided, single submitter. Criteria: Invitae Variant Classification Sherloc (09022015). Collection method: clinical testing. Allele origin: germline.
Comment: In summary, the available evidence is currently insufficient to determine the role of this variant in disease. Therefore, it has been classified as a Variant of Uncertain Significance. Algorithms developed to predict the effect of missense changes on protein structure and function (SIFT, PolyPhen-2, Align-GVGD) all suggest that this variant is likely to be tolerated. This variant has not been reported in the literature in individuals affected with SETD2-related conditions. This variant is not present in population databases (gnomAD no frequency). This sequence change replaces proline, which is neutral and non-polar, with leucine, which is neutral and non-polar, at codon 241 of the SETD2 protein (p.Pro241Leu).